The following is an entry in ClinVar:

NM_001042492.3(NF1):c.4993del (p.Val1665fs)

Gene: NF1 (neurofibromin 1; plus strand). Cytogenetic location: 17q11.2.
Variant type: Deletion.
Coding change: c.4993del on transcript NM_001042492.3 (MANE Select); coding-DNA position 4993, one base deleted (G; older notation c.4993delG).
Protein change: p.Val1665fs; shifts the reading frame from valine 1665.
Molecular consequence: frameshift variant.
Genome position (GRCh38, 1-based): chr17:31,325,977, G deleted. VCF-style (leftmost placement, unchanged base first): chr17-31325976-TG-T. GRCh37 (hg19) VCF-style: chr17-29652994-TG-T.
Other names: c.4930del, p.Val1644fs (NM_000267.4); short protein forms V1644fs, V1665fs.
Identifiers: ClinVar variation 4856698 (VCV004856698.1).

ClinVar aggregate classification (germline): Pathogenic (1 of 4 stars; one submission).

Conditions:
Neurofibromatosis, type 1 (NF1). Also called: VON RECKLINGHAUSEN DISEASE; NEUROFIBROMATOSIS, TYPE I, SOMATIC; Peripheral type neurofibromatosis; Neurofibromatosis, type I. Identifiers: Orphanet 636, MedGen C0027831, MONDO:0018975, OMIM 162200. Disease mechanism: loss of function.

Submission:

Department of Human Genetics, Hannover Medical School
Classification: Pathogenic for Neurofibromatosis, type 1. Last evaluated: 2026-06-22. Review status: criteria provided, single submitter. Criteria: ACMG Guidelines, 2015. Collection method: clinical testing. Allele origin: germline. Inheritance: Autosomal dominant inheritance. Affected: yes.
Comment: PVS1, PM2_Supporting, PP4_Strong